The following is an entry in ClinVar:

ClinVar aggregate classification (germline): Uncertain significance. Review status: criteria provided, multiple submitters, no conflicts (2 of 4 stars). 2 submissions from 2 submitters: Uncertain significance (2). Last evaluated 2024-06-06.

Conditions:
Inborn genetic diseases. Identifiers: MedGen C0950123, MeSH D030342.

Allele frequency attached by ClinVar (database versions not stated): gnomAD exomes below 0.00001 and 0.00001; ExAC 0.00001.
gnomAD v4.1: 2 of 1,613,744 alleles (0.00012%); highest among the groups gnomAD compares: Admixed American, 0.0017%; no homozygotes.

Submissions (2):

Ambry Genetics
Classification: Uncertain significance for Inborn genetic diseases. Last evaluated: 2024-06-06. Review status: criteria provided, single submitter. Criteria: Ambry Variant Classification Scheme 2023. Collection method: clinical testing. Allele origin: germline.
Comment: The p.F222L variant (also known as c.664T>C), located in coding exon 4 of the ATR gene, results from a T to C substitution at nucleotide position 664. The phenylalanine at codon 222 is replaced by leucine, an amino acid with highly similar properties. This amino acid position is conserved. In addition, the in silico prediction for this alteration is inconclusive. Based on the available evidence, the clinical significance of this variant remains unclear.

Labcorp Genetics (formerly Invitae), Labcorp
Classification: Uncertain significance. Last evaluated: 2022-03-02. Review status: criteria provided, single submitter. Criteria: Invitae Variant Classification Sherloc (09022015). Collection method: clinical testing. Allele origin: germline.
Comment: In summary, the available evidence is currently insufficient to determine the role of this variant in disease. Therefore, it has been classified as a Variant of Uncertain Significance. Algorithms developed to predict the effect of missense changes on protein structure and function are either unavailable or do not agree on the potential impact of this missense change (SIFT: "Deleterious"; PolyPhen-2: "Possibly Damaging"; Align-GVGD: "Class C0"). This variant has not been reported in the literature in individuals affected with ATR-related conditions. This variant is present in population databases (rs779874468, gnomAD 0.003%). This sequence change replaces phenylalanine, which is neutral and non-polar, with leucine, which is neutral and non-polar, at codon 222 of the ATR protein (p.Phe222Leu).

NM_001184.4(ATR):c.664T>C (p.Phe222Leu)

Gene: ATR (ATR checkpoint kinase; minus strand). Cytogenetic location: 3q23.
Variant type: single nucleotide variant.
Coding change: c.664T>C on transcript NM_001184.4 (MANE Select); coding-DNA position 664, T replaced by C.
Protein change: p.Phe222Leu; replaces phenylalanine 222 with leucine.
Molecular consequence: missense variant.
Genome position (GRCh38, 1-based): chr3:142,562,738, A>G on the plus strand (T>C on the coding strand, the complement: ATR is on the minus strand). VCF-style: chr3-142562738-A-G. GRCh37 (hg19) VCF-style: chr3-142281580-A-G.
Other names: c.664T>C (NM_001184.3); c.664T>C, p.Phe222Leu (NM_001354579.2); short protein forms F222L.
Identifiers: ClinVar variation 1361944 (VCV001361944.7), dbSNP rs779874468, ClinGen allele CA2650737.